The following is an entry in ClinVar:

ClinVar aggregate classification (germline): Uncertain significance. Review status: criteria provided, multiple submitters, no conflicts (2 of 4 stars). 2 submissions from 2 submitters: Uncertain significance (2). Last evaluated 2025-12-15.

Conditions:
Inborn genetic diseases. Identifiers: MedGen C0950123, MeSH D030342.

Allele frequency attached by ClinVar (database versions not stated): gnomAD exomes below 0.00001; TOPMed below 0.00001; gnomAD 0.00001; ExAC 0.00002.
gnomAD v4.1: 7 of 1,613,906 alleles (0.00043%); highest among the groups gnomAD compares: East Asian, 0.0022%; no homozygotes.

Submissions (2):

Ambry Genetics
Classification: Uncertain significance for Inborn genetic diseases. Last evaluated: 2025-12-15. Review status: criteria provided, single submitter. Criteria: Ambry Variant Classification Scheme 2023. Collection method: clinical testing. Allele origin: germline.

Labcorp Genetics (formerly Invitae), Labcorp
Classification: Uncertain significance. Last evaluated: 2022-07-13. Review status: criteria provided, single submitter. Criteria: Invitae Variant Classification Sherloc (09022015). Collection method: clinical testing. Allele origin: germline.
Comment: In summary, the available evidence is currently insufficient to determine the role of this variant in disease. Therefore, it has been classified as a Variant of Uncertain Significance. Algorithms developed to predict the effect of missense changes on protein structure and function are either unavailable or do not agree on the potential impact of this missense change (SIFT: "Deleterious"; PolyPhen-2: "Benign"; Align-GVGD: "Class C0"). This variant has not been reported in the literature in individuals affected with MECR-related conditions. This variant is present in population databases (rs755919757, gnomAD 0.003%). This sequence change replaces methionine, which is neutral and non-polar, with threonine, which is neutral and polar, at codon 373 of the MECR protein (p.Met373Thr).

NM_016011.5(MECR):c.1118T>C (p.Met373Thr)

Gene: MECR (mitochondrial trans-2-enoyl-CoA reductase; minus strand). Cytogenetic location: 1p35.3.
Variant type: single nucleotide variant.
Coding change: c.1118T>C on transcript NM_016011.5 (MANE Select); coding-DNA position 1118, T replaced by C.
Protein change: p.Met373Thr; replaces methionine 373 with threonine.
Molecular consequence: missense variant. On other transcripts: non-coding transcript variant (4).
Genome position (GRCh38, 1-based): chr1:29,194,026, A>G on the plus strand (T>C on the coding strand, the complement: MECR is on the minus strand). VCF-style: chr1-29194026-A-G. GRCh37 (hg19) VCF-style: chr1-29520538-A-G.
Other names: c.1118T>C (NM_016011.2); c.890T>C, p.Met297Thr (NM_001024732.4, NM_001349711.2, NM_001349712.2 and 2 more transcripts); c.1223T>C, p.Met408Thr (NM_001349715.2); c.1202T>C, p.Met401Thr (NM_001349716.2); c.968T>C, p.Met323Thr (NM_001349717.2); short protein forms M373T, M401T, M297T, M323T, M408T.
Identifiers: ClinVar variation 1908849 (VCV001908849.6), dbSNP rs755919757, ClinGen allele CA725518.